The following is an entry in ClinVar:

NC_000016.10:g.67660435C>G

Genes: ACD (ACD shelterin complex subunit and telomerase recruitment factor; minus strand), LOC130059224 (ATAC-STARR-seq lymphoblastoid silent region 7617; plus strand). Cytogenetic location: 16q22.1.
Variant type: single nucleotide variant.
Genome position: GRCh38 VCF-style: chr16-67660435-C-G. GRCh37 (hg19) VCF-style: chr16-67694338-C-G.
Identifiers: ClinVar variation 3709252 (VCV003709252.2).
Genomic context (GRCh38, chr16:67,660,435, plus strand): 5'-GCTCGGGGGCCTGTGTGCAGACTCCCGCTGGTCCACCCCGCTGGTGCACGGGATGCTGGC[C>G]CGTTTACTCTCATCGCGGCGTCACTCTGACAGCGGCCAGGCATTTGGGCCGTTCGTCAAG-3'

ClinVar aggregate classification (germline): Uncertain significance (1 of 4 stars; one submission).

Conditions:
Dyskeratosis congenita, autosomal dominant 6 (DKCA6). Identifiers: Orphanet 3322, MedGen C4225284, MONDO:0014690, OMIM 616553.

Submission:

Labcorp Genetics (formerly Invitae), Labcorp
Classification: Uncertain significance for Dyskeratosis congenita, autosomal dominant 6. Last evaluated: 2024-12-22. Review status: criteria provided, single submitter. Criteria: Invitae Variant Classification Sherloc (09022015). Collection method: clinical testing. Allele origin: germline.
Comment: This sequence change replaces glycine, which is neutral and non-polar, with alanine, which is neutral and non-polar, at codon 15 of the ACD protein (p.Gly15Ala). This variant is not present in population databases (gnomAD no frequency). This variant has not been reported in the literature in individuals affected with ACD-related conditions. An algorithm developed to predict the effect of missense changes on protein structure and function (PolyPhen-2) suggests that this variant is likely to be disruptive. In summary, the available evidence is currently insufficient to determine the role of this variant in disease. Therefore, it has been classified as a Variant of Uncertain Significance.